The following is an entry in ClinVar:

ClinVar aggregate classification (germline): Uncertain significance (1 of 4 stars; one submission).

Submission:

GeneDx
Classification: Uncertain significance. Last evaluated: 2019-09-04. Review status: criteria provided, single submitter. Criteria: GeneDx Variant Classification Process June 2021. Collection method: clinical testing. Allele origin: germline. Affected: yes.
Comment: Not observed in large population cohorts (Lek et al., 2016); In silico analysis, which includes protein predictors and evolutionary conservation, supports that this variant does not alter protein structure/function; Has not been previously published as pathogenic or benign to our knowledge

NM_000748.3(CHRNB2):c.640G>C (p.Glu214Gln)

Gene: CHRNB2 (cholinergic receptor nicotinic beta 2 subunit; plus strand). Cytogenetic location: 1q21.3.
Variant type: single nucleotide variant.
Coding change: c.640G>C on transcript NM_000748.3 (MANE Select); coding-DNA position 640, G replaced by C.
Protein change: p.Glu214Gln; replaces glutamic acid 214 with glutamine.
Molecular consequence: missense variant.
Genome position (GRCh38, 1-based): chr1:154,571,463, G>C. VCF-style: chr1-154571463-G-C. GRCh37 (hg19) VCF-style: chr1-154543939-G-C.
Other names: short protein forms E214Q.
Identifiers: ClinVar variation 1310886 (VCV001310886.2), dbSNP rs780175030, ClinGen allele CA342630522.